The following is an entry in ClinVar:

ClinVar aggregate classification (germline): Uncertain significance. Review status: criteria provided, multiple submitters, no conflicts (2 of 4 stars). 2 submissions from 2 submitters: Uncertain significance (2). Last evaluated 2025-11-24.

Conditions:
Inborn genetic diseases. Identifiers: MedGen C0950123, MeSH D030342.

Allele frequency attached by ClinVar (database versions not stated): gnomAD 0.00001; gnomAD exomes 0.00001 and 0.00004; TOPMed 0.00006; ExAC 0.00009.
gnomAD v4.1: 14 of 1,547,126 alleles (0.0009%); highest among the groups gnomAD compares: Admixed American, 0.028%; no homozygotes.

Submissions (2):

Labcorp Genetics (formerly Invitae), Labcorp
Classification: Uncertain significance. Last evaluated: 2025-11-24. Review status: criteria provided, single submitter. Criteria: Invitae Variant Classification Sherloc (09022015). Collection method: clinical testing. Allele origin: germline.
Comment: This sequence change replaces tyrosine, which is neutral and polar, with histidine, which is basic and polar, at codon 173 of the ANXA11 protein (p.Tyr173His). This variant is present in population databases (rs748980504, gnomAD 0.03%). This variant has not been reported in the literature in individuals affected with ANXA11-related conditions. ClinVar contains an entry for this variant (Variation ID: 1359468). An algorithm developed to predict the effect of missense changes on protein structure and function (PolyPhen-2) suggests that this variant is likely to be tolerated. In summary, the available evidence is currently insufficient to determine the role of this variant in disease. Therefore, it has been classified as a Variant of Uncertain Significance.

Ambry Genetics
Classification: Uncertain significance for Inborn genetic diseases. Last evaluated: 2024-10-21. Review status: criteria provided, single submitter. Criteria: Ambry Variant Classification Scheme 2023. Collection method: clinical testing. Allele origin: germline.

NM_145868.2(ANXA11):c.517T>C (p.Tyr173His)

Gene: ANXA11 (annexin A11; minus strand). Cytogenetic location: 10q22.3.
Variant type: single nucleotide variant.
Coding change: c.517T>C on transcript NM_145868.2 (MANE Select); coding-DNA position 517, T replaced by C.
Protein change: p.Tyr173His; replaces tyrosine 173 with histidine.
Molecular consequence: missense variant.
Genome position (GRCh38, 1-based): chr10:80,169,013, A>G on the plus strand (T>C on the coding strand, the complement: ANXA11 is on the minus strand). VCF-style: chr10-80169013-A-G. GRCh37 (hg19) VCF-style: chr10-81928769-A-G.
Other names: c.517T>C (NM_001157.2); c.517T>C, p.Tyr173His (NM_001157.3, NM_001278407.2, NM_001278408.2 and 1 more transcripts); c.418T>C, p.Tyr140His (NM_001278409.2); short protein forms Y173H, Y140H.
Identifiers: ClinVar variation 1359468 (VCV001359468.7), dbSNP rs748980504, ClinGen allele CA5576265.